The following is an entry in ClinVar:

NM_000282.4(PCCA):c.578C>T (p.Pro193Leu)

Gene: PCCA (propionyl-CoA carboxylase subunit alpha; plus strand). Cytogenetic location: 13q32.3.
Variant type: single nucleotide variant.
Coding change: c.578C>T on transcript NM_000282.4 (MANE Select); coding-DNA position 578, C replaced by T.
Protein change: p.Pro193Leu; replaces proline 193 with leucine.
Molecular consequence: missense variant. On other transcripts: 5 prime UTR variant (3), non-coding transcript variant (5).
Genome position (GRCh38, 1-based): chr13:100,209,441, C>T. VCF-style: chr13-100209441-C-T. GRCh37 (hg19) VCF-style: chr13-100861695-C-T.
Other names: c.500C>T, p.Pro167Leu (NM_001127692.3, NM_001352607.2, NM_001352608.2); c.578C>T, p.Pro193Leu (NM_001178004.2, NM_001352605.2, NM_001352606.2 and 1 more transcripts); c.-289C>T (NM_001352610.2, NM_001352611.2, NM_001352612.2); short protein forms P193L, P167L.
Identifiers: ClinVar variation 1422321 (VCV001422321.8), dbSNP rs1225108460, ClinGen allele CA388693489.

ClinVar aggregate classification (germline): Uncertain significance (1 of 4 stars; one submission).

Conditions:
Propionic acidemia (PROP). Also called: GLYCINEMIA, KETOTIC; HYPERGLYCINEMIA WITH KETOACIDOSIS AND LEUKOPENIA; KETOTIC HYPERGLYCINEMIA. Identifiers: Orphanet 35, MedGen C0268579, MONDO:0011628, OMIM 606054, HP:0003571.

Allele frequency attached by ClinVar (database versions not stated): gnomAD exomes below 0.00001.
gnomAD v4.1: 2 of 1,613,418 alleles (0.00012%); highest among the groups gnomAD compares: Non-Finnish European, 0.00017%; no homozygotes.

Submission:

Labcorp Genetics (formerly Invitae), Labcorp
Classification: Uncertain significance for Propionic acidemia. Last evaluated: 2022-01-11. Review status: criteria provided, single submitter. Criteria: Invitae Variant Classification Sherloc (09022015). Collection method: clinical testing. Allele origin: germline.
Comment: Advanced modeling of protein sequence and biophysical properties (such as structural, functional, and spatial information, amino acid conservation, physicochemical variation, residue mobility, and thermodynamic stability) performed at Invitae indicates that this missense variant is expected to disrupt PCCA protein function. In summary, the available evidence is currently insufficient to determine the role of this variant in disease. Therefore, it has been classified as a Variant of Uncertain Significance. This variant has not been reported in the literature in individuals affected with PCCA-related conditions. This variant is present in population databases (no rsID available, gnomAD 0.0009%). This sequence change replaces proline, which is neutral and non-polar, with leucine, which is neutral and non-polar, at codon 193 of the PCCA protein (p.Pro193Leu).